The following is an entry in ClinVar:

NM_001015877.2(PHF6):c.834+53_834+58del

Gene: PHF6 (PHD finger protein 6; plus strand). Cytogenetic location: Xq26.2.
Variant type: Deletion.
Coding change: c.834+53_834+58del on transcript NM_001015877.2 (MANE Select); bases 53 to 58 of the intron after coding-DNA position 834, 6 bases deleted (AATTTA; older notation c.834+53_834+58delAATTTA).
Molecular consequence: intron variant. On other transcripts: inframe deletion (1).
Genome position (GRCh38, 1-based): chrX:134,415,173-134,415,178, AATTTA deleted; deleting any 6 consecutive bases within chrX:134,415,169-134,415,178 gives the same sequence; the c. name uses the placement nearest the transcript's 3' end. VCF-style (leftmost placement, unchanged base first): chrX-134415168-CTTTAAA-C. GRCh37 (hg19) VCF-style: chrX-133549198-CTTTAAA-C.
Other names: c.890_895del, p.Lys297_Phe298del (NM_032335.3); c.834+53_834+58del (NM_032458.3); c.890_895del6 (NM_032335.3).
Identifiers: ClinVar variation 2396348 (VCV002396348.4), dbSNP rs762323879, ClinGen allele CA10521266.

ClinVar aggregate classification (germline): Benign. Review status: criteria provided, single submitter (1 of 4 stars). 2 submissions from 2 submitters: Benign (1). 1 of the submissions does not count toward it. Last evaluated 2021-12-08.

Conditions:
Inborn genetic diseases. Identifiers: MedGen C0950123, MeSH D030342.
PHF6-related disorder. Also called: PHF6-related condition.

Submissions (2):

Ambry Genetics
Classification: Benign for Inborn genetic diseases. Last evaluated: 2021-12-08. Review status: criteria provided, single submitter. Criteria: Ambry Variant Classification Scheme 2023. Collection method: clinical testing. Allele origin: germline.

PreventionGenetics, part of Exact Sciences
Classification: Likely benign for PHF6-related condition. Last evaluated: 2022-11-02. Review status: no assertion criteria provided. Collection method: clinical testing. Allele origin: germline. Not counted in ClinVar's aggregate classification.
Comment: This variant is classified as likely benign based on ACMG/AMP sequence variant interpretation guidelines (Richards et al. 2015 PMID: 25741868, with internal and published modifications).